The following is an entry in ClinVar:

ClinVar aggregate classification (germline): Likely benign. Review status: criteria provided, multiple submitters, no conflicts (2 of 4 stars). 3 submissions from 3 submitters: Likely benign (3). Last evaluated 2026-07-27.

Conditions:
Dilated cardiomyopathy 1G (CMD1G). Identifiers: Orphanet 154, MedGen C1858763, MONDO:0011400, OMIM 604145.
Autosomal recessive limb-girdle muscular dystrophy type 2J (LGMDR10). Also called: Limb-girdle muscular dystrophy, type 2J; MUSCULAR DYSTROPHY, LIMB-GIRDLE, AUTOSOMAL RECESSIVE 10. Identifiers: Orphanet 140922, MedGen C1837342, MONDO:0012127, OMIM 608807.
TTN-related disorder. Also called: TTN-related disorders; TTN-related condition; TTN-related disease.
Cardiovascular phenotype. Identifiers: MedGen CN230736.

Allele frequency attached by ClinVar (database versions not stated): gnomAD exomes below 0.00001 and 0.00001; ExAC 0.00001; gnomAD 0.00005; ESP Exome Variant Server 0.00008; TOPMed 0.00003.
gnomAD v4.1: 13 of 1,612,454 alleles (0.00081%); highest among the groups gnomAD compares: African/African-American, 0.015%; no homozygotes.

Submissions (3):

PreventionGenetics, part of Exact Sciences
Classification: Likely benign for TTN-related condition. Last evaluated: 2026-07-27. Review status: criteria provided, single submitter. Criteria: ACMG Guidelines, 2015. Collection method: clinical testing. Allele origin: germline.
Comment: This variant is classified as likely benign based on ACMG/AMP sequence variant interpretation guidelines (Richards et al. 2015 PMID: 25741868, with internal and published modifications).

Labcorp Genetics (formerly Invitae), Labcorp
Classification: Likely benign for Dilated cardiomyopathy 1G; Autosomal recessive limb-girdle muscular dystrophy type 2J. Last evaluated: 2025-09-11. Review status: criteria provided, single submitter. Criteria: Invitae Variant Classification Sherloc (09022015). Collection method: clinical testing. Allele origin: germline.

Ambry Genetics
Classification: Likely benign for Cardiovascular phenotype. Last evaluated: 2022-03-06. Review status: criteria provided, single submitter. Criteria: Ambry Variant Classification Scheme 2023. Collection method: clinical testing. Allele origin: germline.

NM_001267550.2(TTN):c.44793T>C (p.Thr14931=)

Gene: TTN (titin; minus strand). Cytogenetic location: 2q31.2.
Variant type: single nucleotide variant.
Coding change: c.44793T>C on transcript NM_001267550.2 (MANE Select); coding-DNA position 44793, T replaced by C.
Protein change: p.Thr14931=; no amino-acid change (threonine 14931 retained).
Molecular consequence: synonymous variant.
Genome position (GRCh38, 1-based): chr2:178,624,487, A>G on the plus strand (T>C on the coding strand, the complement: TTN is on the minus strand). VCF-style: chr2-178624487-A-G. GRCh37 (hg19) VCF-style: chr2-179489214-A-G.
Other names: c.39870T>C, p.Thr13290= (NM_001256850.1); c.17598T>C, p.Thr5866= (NM_003319.4); c.37089T>C, p.Thr12363= (NM_133378.4); c.17973T>C, p.Thr5991= (NM_133432.3); c.18174T>C, p.Thr6058= (NM_133437.4).
Identifiers: ClinVar variation 1568171 (VCV001568171.11), dbSNP rs371321664, ClinGen allele CA1995576.